The following is an entry in ClinVar:

NM_000540.3(RYR1):c.3618C>A (p.Asp1206Glu)

Gene: RYR1 (ryanodine receptor 1; plus strand). Cytogenetic location: 19q13.2.
Variant type: single nucleotide variant.
Coding change: c.3618C>A on transcript NM_000540.3 (MANE Select); coding-DNA position 3618, C replaced by A.
Protein change: p.Asp1206Glu; replaces aspartic acid 1206 with glutamic acid.
Molecular consequence: missense variant.
Genome position (GRCh38, 1-based): chr19:38,469,366, C>A. VCF-style: chr19-38469366-C-A. GRCh37 (hg19) VCF-style: chr19-38960006-C-A.
Other names: c.3618C>A, p.Asp1206Glu (NM_001042723.2); short protein forms D1206E.
Identifiers: ClinVar variation 3387688 (VCV003387688.1).

ClinVar aggregate classification (germline): Uncertain significance (1 of 4 stars; one submission).

Conditions:
Malignant hyperthermia, susceptibility to, 1 (MHS1). Also called: Anesthesia related hyperthermia; Malignant hyperpyrexia; Fulminating hyperpyrexia; Pharmacogenic myopathy; RYR1-Related Malignant Hyperthermia Susceptibility; Malignant hyperthermia suceptibility 1. Identifiers: Orphanet 423, MedGen C2930980, MONDO:0007783, OMIM 145600.

Submission:

All of Us Research Program, National Institutes of Health
Classification: Uncertain significance for Malignant hyperthermia, susceptibility to, 1. Last evaluated: 2024-06-09. Review status: criteria provided, single submitter. Criteria: ACMG Guidelines, 2015. Collection method: clinical testing. Allele origin: germline. Inheritance: Autosomal dominant inheritance. Observed: 1 variant allele, 1 heterozygote.
Comment: This missense variant replaces aspartic acid with glutamic acid at codon 1206 of the RYR1 protein. Computational prediction suggests that this variant may not impact protein structure and function (internally defined REVEL score threshold <= 0.5, PMID: 27666373). To our knowledge, functional studies have not been reported for this variant. This variant has not been reported in individuals affected with RYR1-related disorders in the literature. This variant has not been identified in the general population by the Genome Aggregation Database (gnomAD). The available evidence is insufficient to determine the role of this variant in disease conclusively. Therefore, this variant is classified as a Variant of Uncertain Significance.

This study involves interpretation of variants in research participants for the purpose of population health screening. Participant phenotype was not available at the time of variant classification. Additional details can be found in publication PMID: 35346344, PMCID: PMC8962531